The following is an entry in ClinVar:

ClinVar aggregate classification (germline): Uncertain significance (1 of 4 stars; one submission).

Conditions:
NIK deficiency. Also called: Primary immunodeficiency with multifaceted aberrant lymphoid immunity. Identifiers: Orphanet 447731, MedGen C5680065, MONDO:0018642.

Allele frequency attached by ClinVar (database versions not stated): gnomAD exomes below 0.00001; TOPMed 0.00002; gnomAD 0.00003.
gnomAD v4.1: 9 of 1,613,024 alleles (0.00056%); highest among the groups gnomAD compares: Non-Finnish European, 0.00076%; no homozygotes.

Submission:

Labcorp Genetics (formerly Invitae), Labcorp
Classification: Uncertain significance for NIK deficiency. Last evaluated: 2025-07-28. Review status: criteria provided, single submitter. Criteria: Invitae Variant Classification Sherloc (09022015). Collection method: clinical testing. Allele origin: germline.
Comment: This sequence change replaces cysteine, which is neutral and slightly polar, with arginine, which is basic and polar, at codon 593 of the MAP3K14 protein (p.Cys593Arg). This variant is present in population databases (no rsID available, gnomAD 0.0009%). This variant has not been reported in the literature in individuals affected with MAP3K14-related conditions. ClinVar contains an entry for this variant (Variation ID: 1990075). Experimental studies and prediction algorithms are not available or were not evaluated, and the functional significance of this variant is currently unknown. In summary, the available evidence is currently insufficient to determine the role of this variant in disease. Therefore, it has been classified as a Variant of Uncertain Significance.

NM_003954.5(MAP3K14):c.1777T>C (p.Cys593Arg)

Gene: MAP3K14 (mitogen-activated protein kinase kinase kinase 14; minus strand). Cytogenetic location: 17q21.31.
Variant type: single nucleotide variant.
Coding change: c.1777T>C on transcript NM_003954.5 (MANE Select); coding-DNA position 1777, T replaced by C.
Protein change: p.Cys593Arg; replaces cysteine 593 with arginine.
Molecular consequence: missense variant.
Genome position (GRCh38, 1-based): chr17:45,271,102, A>G on the plus strand (T>C on the coding strand, the complement: MAP3K14 is on the minus strand). VCF-style: chr17-45271102-A-G. GRCh37 (hg19) VCF-style: chr17-43348469-A-G.
Other names: short protein forms C593R.
Identifiers: ClinVar variation 1990075 (VCV001990075.2), dbSNP rs1480888701, ClinGen allele CA399879582.